The following is an entry in ClinVar:

NM_002473.6(MYH9):c.663C>T (p.Phe221=)

Gene: MYH9 (myosin heavy chain 9; minus strand). Cytogenetic location: 22q12.3.
Variant type: single nucleotide variant.
Coding change: c.663C>T on transcript NM_002473.6 (MANE Select); coding-DNA position 663, C replaced by T.
Protein change: p.Phe221=; no amino-acid change (phenylalanine 221 retained).
Molecular consequence: synonymous variant.
Genome position (GRCh38, 1-based): chr22:36,322,471, G>A on the plus strand (C>T on the coding strand, the complement: MYH9 is on the minus strand). VCF-style: chr22-36322471-G-A. GRCh37 (hg19) VCF-style: chr22-36718516-G-A.
Identifiers: ClinVar variation 2188002 (VCV002188002.5), dbSNP rs375965637, ClinGen allele CA10210524.

ClinVar aggregate classification (germline): Benign/Likely benign. Review status: criteria provided, multiple submitters, no conflicts (2 of 4 stars). 2 submissions from 2 submitters: Benign (1); Likely benign (1). Last evaluated 2026-07-13.

Conditions:
MYH9-related disorder. Identifiers: MedGen C1854520.

Allele frequency attached by ClinVar (database versions not stated): gnomAD 0.00003; TOPMed 0.00003; ExAC 0.00006; ESP Exome Variant Server 0.00008; 1000 Genomes Project 30x 0.00016; 1000 Genomes Project 0.00020.
gnomAD v4.1: 19 of 1,613,848 alleles (0.0012%); highest among the groups gnomAD compares: East Asian, 0.027%; no homozygotes.

Submissions (2):

PreventionGenetics, part of Exact Sciences
Classification: Likely benign for MYH9-related condition. Last evaluated: 2026-07-13. Review status: criteria provided, single submitter. Criteria: ACMG Guidelines, 2015. Collection method: clinical testing. Allele origin: germline.
Comment: This variant is classified as likely benign based on ACMG/AMP sequence variant interpretation guidelines (Richards et al. 2015 PMID: 25741868, with internal and published modifications).

Labcorp Genetics (formerly Invitae), Labcorp
Classification: Benign. Last evaluated: 2025-10-11. Review status: criteria provided, single submitter. Criteria: Invitae Variant Classification Sherloc (09022015). Collection method: clinical testing. Allele origin: germline.